The following is an entry in ClinVar:

NM_152328.5(ADSS1):c.1073+1G>A

Gene: ADSS1 (adenylosuccinate synthase 1; plus strand). Cytogenetic location: 14q32.33.
Variant type: single nucleotide variant.
Coding change: c.1073+1G>A on transcript NM_152328.5 (MANE Select); the canonical splice donor site of the intron after coding-DNA position 1073, G replaced by A.
Molecular consequence: splice donor variant.
Genome position (GRCh38, 1-based): chr14:104,743,192, G>A. VCF-style: chr14-104743192-G-A. GRCh37 (hg19) VCF-style: chr14-105209529-G-A.
Other names: c.1202+1G>A (NM_199165.2); c.458+1G>A (NM_001320424.1).
Identifiers: ClinVar variation 1682001 (VCV001682001.6), dbSNP rs761489014, ClinGen allele CA7373994.

ClinVar aggregate classification (germline): Likely pathogenic (1 of 4 stars; one submission).

Allele frequency attached by ClinVar (database versions not stated): gnomAD 0.00002; gnomAD exomes 0.00008 and 0.00021; TOPMed 0.00008; ExAC 0.00017.
gnomAD v4.1: 118 of 1,609,860 alleles (0.0073%); highest among the groups gnomAD compares: Admixed American, 0.085%; 1 homozygote.

Submissions (2):

Labcorp Genetics (formerly Invitae), Labcorp
Classification: Likely pathogenic. Last evaluated: 2024-11-18. Review status: criteria provided, single submitter. Criteria: Invitae Variant Classification Sherloc (09022015). Collection method: clinical testing. Allele origin: germline.
Comment: This sequence change affects a donor splice site in intron 10 of the ADSSL1 gene. It is expected to disrupt RNA splicing. Variants that disrupt the donor or acceptor splice site typically lead to a loss of protein function (PMID: 16199547), and loss-of-function variants in ADSSL1 are known to be pathogenic (PMID: 26506222). This variant is present in population databases (rs761489014, gnomAD 0.1%). This variant has not been reported in the literature in individuals affected with ADSSL1-related conditions. ClinVar contains an entry for this variant (Variation ID: 1682001). Algorithms developed to predict the effect of sequence changes on RNA splicing suggest that this variant may disrupt the consensus splice site. In summary, the currently available evidence indicates that the variant is pathogenic, but additional data are needed to prove that conclusively. Therefore, this variant has been classified as Likely Pathogenic.

Dr. Peter K. Rogan Lab, Western University
No classification provided (evidence only). Condition: Colon adenocarcinoma. Review status: no classification provided. Collection method: in vitro. Allele origin: not applicable. Functional consequence: retained intron. Not counted in ClinVar's aggregate classification.

Literature cited by the submitters: PubMed 16199547 (cited by Labcorp Genetics (formerly Invitae), Labcorp); PubMed 26506222 (cited by Labcorp Genetics (formerly Invitae), Labcorp).